The following is an entry in ClinVar:

ClinVar aggregate classification (germline): Uncertain significance (1 of 4 stars; one submission).

Submission:

GeneDx
Classification: Uncertain significance. Last evaluated: 2025-10-02. Review status: criteria provided, single submitter. Criteria: GeneDx Variant Classification Process June 2021. Collection method: clinical testing. Allele origin: germline.
Comment: Not observed at significant frequency in large population cohorts (gnomAD); In silico analysis suggests that this missense variant does not alter protein structure/function; Has not been previously published as pathogenic or benign to our knowledge

NM_000548.5(TSC2):c.2080C>G (p.Leu694Val)

Gene: TSC2 (TSC complex subunit 2; plus strand). Cytogenetic location: 16p13.3.
Variant type: single nucleotide variant.
Coding change: c.2080C>G on transcript NM_000548.5 (MANE Select); coding-DNA position 2080, C replaced by G.
Protein change: p.Leu694Val; replaces leucine 694 with valine.
Molecular consequence: missense variant. On other transcripts: non-coding transcript variant (5).
Genome position (GRCh38, 1-based): chr16:2,071,917, C>G. VCF-style: chr16-2071917-C-G. GRCh37 (hg19) VCF-style: chr16-2121918-C-G.
Other names: c.2080C>G, p.Leu694Val (NM_001077183.3, NM_001114382.3, NM_001363528.2 and 6 more transcripts); c.1969C>G, p.Leu657Val (NM_001318827.2, NM_001406670.1, NM_001406678.1); c.1933C>G, p.Leu645Val (NM_001318829.2, NM_001406675.1, NM_001406676.1 and 1 more transcripts); c.1480C>G, p.Leu494Val (NM_001318831.2, NM_001406680.1, NM_001406682.1 and 6 more transcripts); c.2113C>G, p.Leu705Val (NM_001318832.2); c.2170C>G, p.Leu724Val (NM_001406667.1, NM_001406668.1); c.2068C>G, p.Leu690Val (NM_001406671.1, NM_001406673.1); c.2023C>G, p.Leu675Val (NM_001406677.1); and 3 more; short protein forms L160V, L246V, L494V, L540V, L645V, L657V, L675V, L690V.
Identifiers: ClinVar variation 3360430 (VCV003360430.2).